The following is an entry in ClinVar:

ClinVar aggregate classification (germline): Uncertain significance (1 of 4 stars; one submission).

gnomAD v4.1: 3 of 1,614,048 alleles (0.00019%); highest among the groups gnomAD compares: Admixed American, 0.005%; no homozygotes.

Submission:

Labcorp Genetics (formerly Invitae), Labcorp
Classification: Uncertain significance. Last evaluated: 2024-09-04. Review status: criteria provided, single submitter. Criteria: Invitae Variant Classification Sherloc (09022015). Collection method: clinical testing. Allele origin: germline.
Comment: This sequence change replaces glycine, which is neutral and non-polar, with aspartic acid, which is acidic and polar, at codon 1967 of the DNAH9 protein (p.Gly1967Asp). This variant is present in population databases (no rsID available, gnomAD 0.009%). This variant has not been reported in the literature in individuals affected with DNAH9-related conditions. Invitae Evidence Modeling of protein sequence and biophysical properties (such as structural, functional, and spatial information, amino acid conservation, physicochemical variation, residue mobility, and thermodynamic stability) indicates that this missense variant is expected to disrupt DNAH9 protein function with a positive predictive value of 80%. In summary, the available evidence is currently insufficient to determine the role of this variant in disease. Therefore, it has been classified as a Variant of Uncertain Significance.

NM_001372.4(DNAH9):c.5900G>A (p.Gly1967Asp)

Gene: DNAH9 (dynein axonemal heavy chain 9; plus strand). Cytogenetic location: 17p12.
Variant type: single nucleotide variant.
Coding change: c.5900G>A on transcript NM_001372.4 (MANE Select); coding-DNA position 5900, G replaced by A.
Protein change: p.Gly1967Asp; replaces glycine 1967 with aspartic acid.
Molecular consequence: missense variant.
Genome position (GRCh38, 1-based): chr17:11,738,965, G>A. VCF-style: chr17-11738965-G-A. GRCh37 (hg19) VCF-style: chr17-11642282-G-A.
Other names: short protein forms G1967D.
Identifiers: ClinVar variation 3606774 (VCV003606774.2).